The following is an entry in ClinVar:

NM_000744.7(CHRNA4):c.1192A>G (p.Thr398Ala)

Gene: CHRNA4 (cholinergic receptor nicotinic alpha 4 subunit; minus strand). Cytogenetic location: 20q13.33.
Variant type: single nucleotide variant.
Coding change: c.1192A>G on transcript NM_000744.7 (MANE Select); coding-DNA position 1192, A replaced by G.
Protein change: p.Thr398Ala; replaces threonine 398 with alanine.
Molecular consequence: missense variant. On other transcripts: non-coding transcript variant (1).
Genome position (GRCh38, 1-based): chr20:63,350,219, T>C on the plus strand (A>G on the coding strand, the complement: CHRNA4 is on the minus strand). VCF-style: chr20-63350219-T-C. GRCh37 (hg19) VCF-style: chr20-61981571-T-C.
Other names: c.664A>G, p.Thr222Ala (NM_001256573.2); short protein forms T222A, T398A.
Identifiers: ClinVar variation 2074486 (VCV002074486.4), dbSNP rs2516539653, ClinGen allele CA409634125.

ClinVar aggregate classification (germline): Uncertain significance (1 of 4 stars; one submission).

Conditions:
Familial sleep-related hypermotor epilepsy. Also called: Autosomal Dominant Sleep-Related Hypermotor (Hyperkinetic) Epilepsy. Identifiers: Orphanet 98784, MedGen C3696898, MONDO:0000030.

Submission:

Labcorp Genetics (formerly Invitae), Labcorp
Classification: Uncertain significance. Last evaluated: 2022-01-04. Review status: criteria provided, single submitter. Criteria: Invitae Variant Classification Sherloc (09022015). Collection method: clinical testing. Allele origin: germline.
Comment: This sequence change replaces threonine, which is neutral and polar, with alanine, which is neutral and non-polar, at codon 398 of the CHRNA4 protein (p.Thr398Ala). This variant is not present in population databases (gnomAD no frequency). In summary, the available evidence is currently insufficient to determine the role of this variant in disease. Therefore, it has been classified as a Variant of Uncertain Significance. Algorithms developed to predict the effect of missense changes on protein structure and function output the following: SIFT: "Tolerated"; PolyPhen-2: "Benign"; Align-GVGD: "Class C0". The alanine amino acid residue is found in multiple mammalian species, which suggests that this missense change does not adversely affect protein function. This variant has not been reported in the literature in individuals affected with CHRNA4-related conditions.